The following is an entry in ClinVar:

ClinVar aggregate classification (germline): Likely benign (1 of 4 stars; one submission).

gnomAD v4.1: 43 of 1,613,924 alleles (0.0027%); highest among the groups gnomAD compares: Admixed American, 0.068%; no homozygotes.

Submission:

CeGaT Center for Human Genetics Tuebingen
Classification: Likely benign. Last evaluated: 2026-04-01. Review status: criteria provided, single submitter. Criteria: CeGaT Center For Human Genetics Tuebingen Variant Classification Criteria Version 2. Collection method: clinical testing. Allele origin: germline. Affected: yes. Observed: 1 variant allele.
Comment: VWA3B: BP4, BP7

NM_144992.5(VWA3B):c.1380G>C (p.Gly460=)

Gene: VWA3B (von Willebrand factor A domain containing 3B; plus strand). Cytogenetic location: 2q11.2.
Variant type: single nucleotide variant.
Coding change: c.1380G>C on transcript NM_144992.5 (MANE Select); coding-DNA position 1380, G replaced by C.
Protein change: p.Gly460=; no amino-acid change (glycine 460 retained).
Molecular consequence: synonymous variant.
Genome position (GRCh38, 1-based): chr2:98,188,043, G>C. VCF-style: chr2-98188043-G-C. GRCh37 (hg19) VCF-style: chr2-98804506-G-C.
Other names: c.351G>C, p.Gly117= (NM_001345864.2).
Identifiers: ClinVar variation 4874353 (VCV004874353.2).